The following is an entry in ClinVar:

ClinVar aggregate classification (germline): Pathogenic (1 of 4 stars; one submission).

Conditions:
Fabry disease. Also called: ALPHA-GALACTOSIDASE A DEFICIENCY; ANDERSON-FABRY DISEASE; CERAMIDE TRIHEXOSIDASE DEFICIENCY; GLA DEFICIENCY; HEREDITARY DYSTOPIC LIPIDOSIS; Angiokeratoma corporis diffusum. Identifiers: Orphanet 324, MedGen C0002986, MONDO:0010526, OMIM 301500, HP:0001071. Disease mechanism: Fabry disease is due to inactivating mutations in the X-linked GLA gene resulting in deficiency of the enzyme Alpha Galactosidase-A., loss of function.

Submission:

Genomenon, Inc
Classification: Pathogenic for Fabry disease. Last evaluated: 2026-09-08. Review status: criteria provided, single submitter. Criteria: Genomenon Sequence Variant Interpretation Standards - Updated. Collection method: curation. Allele origin: germline. Affected: yes.
Comment: GLA p.Asp266Glu (c.798T>A) is a missense variant that changes the amino acid at codon 266 from Aspartic acid to Glutamic acid. This variant has been observed in at least one proband with clinical features consistent with Fabry disease (PMID:32442237;12428061). At least one functional study has demonstrated a substantial alteration in protein function relative to the wild-type (PMID:27657681). This variant is located in a mutational hotspot and/or important functional domain. It is absent or not present at a significant frequency in gnomAD. In silico models predict that this variant is possibly or probably damaging. In conclusion, we classify GLA p.Asp266Glu (c.798T>A) as a pathogenic variant.

Literature cited by the submitters: PubMed 32442237; PubMed 12428061; PubMed 27657681.

NM_000169.3(GLA):c.798T>A (p.Asp266Glu)

Genes: GLA (galactosidase alpha; minus strand), RPL36A-HNRNPH2 (RPL36A-HNRNPH2 readthrough; plus strand). Cytogenetic location: Xq22.1.
Variant type: single nucleotide variant.
Coding change: c.798T>A on transcript NM_000169.3 (MANE Select); coding-DNA position 798, T replaced by A.
Protein change: p.Asp266Glu; replaces aspartic acid 266 with glutamic acid.
Molecular consequence: missense variant. On other transcripts: non-coding transcript variant (3), intron variant (2).
Genome position (GRCh38, 1-based): chrX:101,398,788, A>T on the plus strand (T>A on the coding strand, the complement: GLA is on the minus strand). VCF-style: chrX-101398788-A-T. GRCh37 (hg19) VCF-style: chrX-100653776-A-T.
Other names: c.921T>A, p.Asp307Glu (NM_001406747.1); c.798T>A, p.Asp266Glu (NM_001406748.1); c.300+3331A>T (NM_001199973.2); c.177+6966A>T (NM_001199974.2); short protein forms D266E, D307E.
Identifiers: ClinVar variation 4087516 (VCV004087516.2).